The following is an entry in ClinVar:

ClinVar aggregate classification (germline): Uncertain significance (1 of 4 stars; one submission).

Conditions:
PLEC-related disorder. Also called: PLEC-related disorders; PLEC-related condition.

gnomAD v4.1: 15 of 1,598,686 alleles (0.00094%); highest among the groups gnomAD compares: African/African-American, 0.0013%; no homozygotes.

Submission:

PreventionGenetics, part of Exact Sciences
Classification: Uncertain significance for PLEC-related condition. Last evaluated: 2025-04-30. Review status: criteria provided, single submitter. Criteria: ACMG Guidelines, 2015. Collection method: clinical testing. Allele origin: germline.
Comment: The PLEC c.5905G>A variant is predicted to result in the amino acid substitution p.Ala1969Thr. To our knowledge, this variant has not been reported in the literature. This variant is reported in 0.0069% of alleles in individuals of African descent in gnomAD. At this time, the clinical significance of this variant is uncertain due to the absence of conclusive functional and genetic evidence.

NM_201384.3(PLEC):c.5824G>A (p.Ala1942Thr)

Gene: PLEC (plectin; minus strand). Cytogenetic location: 8q24.3.
Variant type: single nucleotide variant.
Coding change: c.5824G>A on transcript NM_201384.3 (MANE Select); coding-DNA position 5824, G replaced by A.
Protein change: p.Ala1942Thr; replaces alanine 1942 with threonine.
Molecular consequence: missense variant. On other transcripts: intron variant (1).
Genome position (GRCh38, 1-based): chr8:143,924,105, C>T on the plus strand (G>A on the coding strand, the complement: PLEC is on the minus strand). VCF-style: chr8-143924105-C-T. GRCh37 (hg19) VCF-style: chr8-144998273-C-T.
Other names: c.5905G>A, p.Ala1969Thr (NM_000445.5); c.5782G>A, p.Ala1928Thr (NM_201378.4); c.5758G>A, p.Ala1920Thr (NM_201379.3); c.6235G>A, p.Ala2079Thr (NM_201380.4); c.5728G>A, p.Ala1910Thr (NM_201381.3); c.5824G>A, p.Ala1942Thr (NM_201382.4); c.5836G>A, p.Ala1946Thr (NM_201383.3); c.4126-1710G>A (NM_001410941.1); short protein forms A1920T, A1969T, A1910T, A1928T, A1942T, A1946T, A2079T.
Identifiers: ClinVar variation 4983607 (VCV004983607.1).
Genomic context (GRCh38, chr8:143,924,105, plus strand): 5'-TGCTGCGCAGCGTGTCCTCCGCGTTGCTGCGGATGCGTCCCAGCTCCAGCTCCAGCTCCG[C>T]CTTGCCAGCGGCCGCCTTCTCGAAGCTCGCCTTCAGCGCCAGGATCTCCTCCTCCACCTG-3'
Protein context (NP_958786.1, residues 1932-1952): ASFEKAAAGK[Ala1942Thr]ELELELGRIR